The following is an entry in ClinVar:

ClinVar aggregate classification (germline): Pathogenic (1 of 4 stars; one submission).

Submission:

GeneDx
Classification: Pathogenic. Last evaluated: 2017-10-04. Review status: criteria provided, single submitter. Criteria: GeneDx Variant Classification (06012015). Collection method: clinical testing. Allele origin: germline. Affected: yes.
Comment: The L6337X variant in the SYNE1 gene has not been reported previously as a pathogenic variant nor as a benign variant, to our knowledge. This variant is predicted to cause loss of normal protein function either through protein truncation or nonsense-mediated mRNA decay. The L6337X variant is not observed in large population cohorts (Lek et al., 2016). We interpret L6337X as a pathogenic variant.

NM_182961.4(SYNE1):c.19223T>A (p.Leu6408Ter)

Gene: SYNE1 (spectrin repeat containing nuclear envelope protein 1; minus strand). Cytogenetic location: 6q25.2.
Variant type: single nucleotide variant.
Coding change: c.19223T>A on transcript NM_182961.4 (MANE Select); coding-DNA position 19223, T replaced by A.
Protein change: p.Leu6408Ter; replaces leucine 6408 with a stop codon.
Molecular consequence: nonsense.
Genome position (GRCh38, 1-based): chr6:152,255,628, A>T on the plus strand (T>A on the coding strand, the complement: SYNE1 is on the minus strand). VCF-style: chr6-152255628-A-T. GRCh37 (hg19) VCF-style: chr6-152576763-A-T.
Other names: c.19010T>A, p.Leu6337Ter (NM_033071.5); short protein forms L6337*, L6408*.
Identifiers: ClinVar variation 452536 (VCV000452536.2), dbSNP rs758337239, ClinGen allele CA366136800.
Genomic context (GRCh38, chr6:152,255,628, plus strand): 5'-CAGGCAGGAACTACTAAACCTACCTCTTGGTTGAAGAGACAAGTCTCTGTTTCTTCTGGT[A>T]AAAGTGCTGTGGCAACAAATAAACGTTCTTCAACGTCATCCAACCAAGTAGAGGTGGCTG-3'